The following is an entry in ClinVar:

ClinVar aggregate classification (germline): Pathogenic. Review status: criteria provided, single submitter (1 of 4 stars). 2 submissions from 2 submitters: Pathogenic (1). 1 of the submissions does not count toward it. Last evaluated 2021-12-20.

Conditions:
Ehlers-Danlos syndrome, type 4 (EDSVASC). Also called: Ehlers-Danlos syndrome vascular type; Ehlers Danlos syndrome, ecchymotic type; Ehlers Danlos syndrome, arterial type; Ehlers Danlos syndrome, Sack-Barabas type; Ehlers-Danlos Syndrome Type IV. Identifiers: Orphanet 286, MedGen C0268338, MONDO:0017314, OMIM 130050.

Submissions (2):

Labcorp Genetics (formerly Invitae), Labcorp
Classification: Pathogenic for Ehlers-Danlos syndrome, type 4. Last evaluated: 2021-12-20. Review status: criteria provided, single submitter. Criteria: Invitae Variant Classification Sherloc (09022015). Collection method: clinical testing. Allele origin: germline.
Comment: For these reasons, this variant has been classified as Pathogenic. Variants that disrupt the consensus splice site are a relatively common cause of aberrant splicing (PMID: 17576681, 9536098). Algorithms developed to predict the effect of sequence changes on RNA splicing suggest that this variant may disrupt the consensus splice site. ClinVar contains an entry for this variant (Variation ID: 101330). This variant has been observed in individual(s) with clinical features of vascular Ehlers-Danlos syndrome (PMID: 24922459; Invitae). In at least one individual the variant was observed to be de novo. This variant is not present in population databases (gnomAD no frequency). This sequence change falls in intron 24 of the COL3A1 gene. It does not directly change the encoded amino acid sequence of the COL3A1 protein. It affects a nucleotide within the consensus splice site.

Collagen Diagnostic Laboratory, University of Washington
Classification: Pathogenic for Ehlers-Danlos syndrome, type 4. Review status: no assertion criteria provided. Collection method: clinical testing. Allele origin: germline. Affected: yes. Not counted in ClinVar's aggregate classification.

Literature cited by the submitters: PubMed 17576681 (cited by Labcorp Genetics (formerly Invitae), Labcorp); PubMed 9536098 (cited by Labcorp Genetics (formerly Invitae), Labcorp); PubMed 24922459 (cited by Labcorp Genetics (formerly Invitae), Labcorp).

NM_000090.4(COL3A1):c.1761+4_1761+5del

Gene: COL3A1 (collagen type III alpha 1 chain; plus strand). Cytogenetic location: 2q32.2.
Variant type: Deletion.
Coding change: c.1761+4_1761+5del on transcript NM_000090.4 (MANE Select); bases 4 to 5 of the intron after coding-DNA position 1761, 2 bases deleted (AG; older notation c.1761+4_1761+5delAG).
Molecular consequence: intron variant.
Genome position (GRCh38, 1-based): chr2:188,996,500-188,996,501, AG deleted; deleting any 2 consecutive bases within chr2:188,996,499-188,996,501 gives the same sequence; the c. name uses the placement nearest the transcript's 3' end. VCF-style (leftmost placement, unchanged base first): chr2-188996498-TGA-T. GRCh37 (hg19) VCF-style: chr2-189861224-TGA-T.
Identifiers: ClinVar variation 101330 (VCV000101330.8), dbSNP rs1559057346, ClinGen allele CA913189726.